The following is an entry in ClinVar:

NM_004370.6(COL12A1):c.7264A>G (p.Arg2422Gly)

Genes: COL12A1 (collagen type XII alpha 1 chain; minus strand), LOC126859712 (MED14-independent group 3 enhancer GRCh37_chr6:75828643-75829842; plus strand). Cytogenetic location: 6q13.
Variant type: single nucleotide variant.
Coding change: c.7264A>G on transcript NM_004370.6 (MANE Select); coding-DNA position 7264, A replaced by G.
Protein change: p.Arg2422Gly; replaces arginine 2422 with glycine.
Molecular consequence: missense variant.
Genome position (GRCh38, 1-based): chr6:75,119,133, T>C on the plus strand (A>G on the coding strand, the complement: COL12A1 is on the minus strand). VCF-style: chr6-75119133-T-C. GRCh37 (hg19) VCF-style: chr6-75828849-T-C.
Other names: c.3772A>G, p.Arg1258Gly (NM_080645.3); short protein forms R1258G, R2422G.
Identifiers: ClinVar variation 847735 (VCV000847735.10), dbSNP rs1769229174, ClinGen allele CA364747892.

ClinVar aggregate classification (germline): Uncertain significance (1 of 4 stars; one submission).

Conditions:
Ullrich congenital muscular dystrophy 2 (UCMD2). Identifiers: Orphanet 75840, MedGen C4225314, MONDO:0014654, OMIM 616470.
Bethlem myopathy 2 (BTHLM2). Identifiers: Orphanet 536516, Orphanet 610, MedGen C4225313, MONDO:0034022, OMIM 616471.

Submission:

Labcorp Genetics (formerly Invitae), Labcorp
Classification: Uncertain significance for Bethlem myopathy 2; Ullrich congenital muscular dystrophy 2. Last evaluated: 2019-10-26. Review status: criteria provided, single submitter. Criteria: Invitae Variant Classification Sherloc (09022015). Collection method: clinical testing. Allele origin: germline.
Comment: This sequence change replaces arginine with glycine at codon 2422 of the COL12A1 protein (p.Arg2422Gly). The arginine residue is highly conserved and there is a moderate physicochemical difference between arginine and glycine. This variant is not present in population databases (ExAC no frequency). This variant has not been reported in the literature in individuals with COL12A1-related conditions. Algorithms developed to predict the effect of missense changes on protein structure and function (SIFT, PolyPhen-2, Align-GVGD) all suggest that this variant is likely to be disruptive, but these predictions have not been confirmed by published functional studies and their clinical significance is uncertain. In summary, the available evidence is currently insufficient to determine the role of this variant in disease. Therefore, it has been classified as a Variant of Uncertain Significance.